The following is an entry in ClinVar:

NM_006939.4(SOS2):c.554C>A (p.Ser185Tyr)

Gene: SOS2 (SOS Ras/Rho guanine nucleotide exchange factor 2; minus strand). Cytogenetic location: 14q21.3.
Variant type: single nucleotide variant.
Coding change: c.554C>A on transcript NM_006939.4 (MANE Select); coding-DNA position 554, C replaced by A.
Protein change: p.Ser185Tyr; replaces serine 185 with tyrosine.
Molecular consequence: missense variant.
Genome position (GRCh38, 1-based): chr14:50,188,657, G>T on the plus strand (C>A on the coding strand, the complement: SOS2 is on the minus strand). VCF-style: chr14-50188657-G-T. GRCh37 (hg19) VCF-style: chr14-50655375-G-T.
Other names: c.554C>A (NM_006939.2); short protein forms S185Y.
Identifiers: ClinVar variation 1334301 (VCV001334301.5), dbSNP rs1203751748, ClinGen allele CA389648276.

ClinVar aggregate classification (germline): Uncertain significance. Review status: criteria provided, multiple submitters, no conflicts (2 of 4 stars). 3 submissions from 3 submitters: Uncertain significance (3). Last evaluated 2025-11-25.

Conditions:
Noonan syndrome and Noonan-related syndrome. Identifiers: Orphanet 98733, MedGen C5681679, MONDO:0020297.
Noonan syndrome 9 (NS9). Identifiers: Orphanet 648, MedGen C4225282, MONDO:0014691, OMIM 616559.
Cardiovascular phenotype. Identifiers: MedGen CN230736.

Allele frequency attached by ClinVar (database versions not stated): TOPMed below 0.00001; gnomAD exomes 0.00001.
gnomAD v4.1: 15 of 1,610,384 alleles (0.00093%); highest among the groups gnomAD compares: Non-Finnish European, 0.0013%; no homozygotes.

Submissions (3):

Labcorp Genetics (formerly Invitae), Labcorp
Classification: Uncertain significance for Noonan syndrome 9. Last evaluated: 2025-11-25. Review status: criteria provided, single submitter. Criteria: Invitae Variant Classification Sherloc (09022015). Collection method: clinical testing. Allele origin: germline.
Comment: This sequence change replaces serine, which is neutral and polar, with tyrosine, which is neutral and polar, at codon 185 of the SOS2 protein (p.Ser185Tyr). This variant is not present in population databases (gnomAD no frequency). This variant has not been reported in the literature in individuals affected with SOS2-related conditions. ClinVar contains an entry for this variant (Variation ID: 1334301). Invitae Evidence Modeling of protein sequence and biophysical properties (such as structural, functional, and spatial information, amino acid conservation, physicochemical variation, residue mobility, and thermodynamic stability) indicates that this missense variant is not expected to disrupt SOS2 protein function with a negative predictive value of 95%. In summary, the available evidence is currently insufficient to determine the role of this variant in disease. Therefore, it has been classified as a Variant of Uncertain Significance.

Ambry Genetics
Classification: Uncertain significance for Cardiovascular phenotype. Last evaluated: 2025-08-19. Review status: criteria provided, single submitter. Criteria: Ambry Variant Classification Scheme 2023. Collection method: clinical testing. Allele origin: germline.
Comment: The p.S185Y variant (also known as c.554C>A), located in coding exon 5 of the SOS2 gene, results from a C to A substitution at nucleotide position 554. The serine at codon 185 is replaced by tyrosine, an amino acid with dissimilar properties. This amino acid position is conserved. In addition, the in silico prediction for this alteration is inconclusive. Based on the available evidence, the clinical significance of this variant remains unclear.

Genome Diagnostics Laboratory, The Hospital for Sick Children
Classification: Uncertain significance for Noonan syndrome and Noonan-related syndrome. Last evaluated: 2020-01-01. Review status: criteria provided, single submitter. Criteria: ACMG Guidelines, 2015. Collection method: clinical testing. Allele origin: germline.